The following is an entry in ClinVar:

ClinVar aggregate classification (germline): Pathogenic. Review status: reviewed by expert panel (3 of 4 stars). 2 submissions from 2 submitters: Pathogenic (1). 1 of the submissions does not count toward it. Last evaluated 2024-08-13.

Conditions:
Von Willebrand disease type 2B. Identifiers: Orphanet 166087, MedGen C1282971, MONDO:0015629.

Submissions (2):

ClinGen von Willebrand Disease Variant Curation Expert Panel, ClinGen
Classification: Pathogenic for Von Willebrand disease type 2B. Last evaluated: 2024-08-13. Review status: reviewed by expert panel. Criteria: ClinGen VWD 2A B M Rules. Collection method: curation. Allele origin: germline. Inheritance: Autosomal dominant inheritance.
Comment: The NM_000552.5(VWF):c.3941T>A (p.Val1314Asp) missense variant has been reported in one patient, Family 1 patient II:1 (PMID: 11325649) who displayed excessive mucocutaneous bleeding as well as a laboratory phenotypes of loss of high molecular weight multimers and a high affinity of plasma vWF for ristocetin-dependent platelet receptor was confirmed at 0.4mg/m showing gain of function, which together are highly specific for VWD type 2B (PP4_moderate). The variant was identified de novo with parental relationships not fully confirmed (PS2_supporting). This variant is absent from gnomAD v4.1 (PM2_Supporting). The computational predictor REVEL gives a score of 0.761, which is above the ClinGen VWD VCEP threshold of >0.644 and predicts a damaging effect on VWF function (PP3). Platelet binding assay performed with the V1314D recombinant vWF expressed by HEK293 cells showed binding in the absence of ristocetin under rheological shear flow, enhanced relative to wild-type indicating that this variant has a gain of function effect on the protein (PMID: 31628947; PS3). Another type 2B variants have been reported at this amino acid residue Val1314Leu and classified pathogenic by the VWD VCEP (PM5). In summary, the variant meets the criteria to be classified as Pathogenic for von Willebrand disease type 2A based on the ACMG/AMP criteria applied, as specified by the ClinGen VWD VCEP: PS3_supporting, PS2_supporting, PP3, PP4_moderate, PM5 and PM2_supporting.

Academic Unit of Haematology, University of Sheffield
No classification provided. Review status: no classification provided. Collection method: not provided. Allele origin: not provided. Not counted in ClinVar's aggregate classification.

NM_000552.5(VWF):c.3941T>A (p.Val1314Asp)

Gene: VWF (von Willebrand factor; minus strand). Cytogenetic location: 12p13.31.
Variant type: single nucleotide variant.
Coding change: c.3941T>A on transcript NM_000552.5 (MANE Select); coding-DNA position 3941, T replaced by A.
Protein change: p.Val1314Asp; replaces valine 1314 with aspartic acid.
Molecular consequence: missense variant.
Genome position (GRCh38, 1-based): chr12:6,019,477, A>T on the plus strand (T>A on the coding strand, the complement: VWF is on the minus strand). VCF-style: chr12-6019477-A-T. GRCh37 (hg19) VCF-style: chr12-6128643-A-T.
Other names: NM_000552.5(VWF):c.3941T>A; p.Val1314Asp; short protein forms V1314D.
Identifiers: ClinVar variation 100309 (VCV000100309.2), dbSNP rs61749394, ClinGen allele CA228500.